The following is an entry in ClinVar:

NM_005359.6(SMAD4):c.454+2080A>C

Gene: SMAD4 (SMAD family member 4; plus strand). Cytogenetic location: 18q21.2.
Variant type: single nucleotide variant.
Coding change: c.454+2080A>C on transcript NM_005359.6 (MANE Select); 2080 bases into the intron after coding-DNA position 454, A replaced by C.
Molecular consequence: intron variant. On other transcripts: non-coding transcript variant (1).
Genome position (GRCh38, 1-based): chr18:51,051,404, A>C. VCF-style: chr18-51051404-A-C. GRCh37 (hg19) VCF-style: chr18-48577774-A-C.
Other names: c.454+2080A>C (NM_001407042.1, NM_001407041.1, NM_001407043.1).
Identifiers: ClinVar variation 3770582 (VCV003770582.13).

ClinVar aggregate classification (germline): Likely benign (1 of 4 stars; one submission).

gnomAD v4.1: 848 of 456,130 alleles (0.19%); highest among the groups gnomAD compares: Middle Eastern, 0.62%; 4 homozygotes.

Submission:

CeGaT Center for Human Genetics Tuebingen
Classification: Likely benign. Last evaluated: 2026-08-01. Review status: criteria provided, single submitter. Criteria: CeGaT Center For Human Genetics Tuebingen Variant Classification Criteria Version 2. Collection method: clinical testing. Allele origin: germline. Affected: yes. Observed: 18 variant alleles.
Comment: SMAD4: BS1